The following is an entry in ClinVar:

NM_016123.4(IRAK4):c.*1974G>A

Gene: IRAK4 (interleukin 1 receptor associated kinase 4; plus strand). Cytogenetic location: 12q12.
Variant type: single nucleotide variant.
Coding change: c.*1974G>A on transcript NM_016123.4 (MANE Select); 1974 bases downstream of the stop codon, G replaced by A.
Molecular consequence: 3 prime UTR variant.
Genome position (GRCh38, 1-based): chr12:43,788,689, G>A. VCF-style: chr12-43788689-G-A. GRCh37 (hg19) VCF-style: chr12-44182492-G-A.
Other names: c.*1974G>A (NM_001114182.3, NM_001145256.2, NM_001145257.2 and 9 more transcripts).
Identifiers: ClinVar variation 308757 (VCV000308757.5), dbSNP rs12321678, ClinGen allele CA10632796.

ClinVar aggregate classification (germline): Likely benign (1 of 4 stars; one submission).

Conditions:
Immunodeficiency 67. Also called: Immunodeficiency due to interleukin-1 receptor-associated kinase-4 deficiency. Identifiers: Orphanet 70592, MedGen C1843256, MONDO:0011888, OMIM 607676.

Allele frequency attached by ClinVar (database versions not stated): 1000 Genomes Project 30x 0.00297; 1000 Genomes Project 0.00319; gnomAD 0.00414 and 0.00451; TOPMed 0.00510.

Submission:

Illumina Laboratory Services, Illumina
Classification: Likely benign for Immunodeficiency 67. Last evaluated: 2018-01-12. Review status: criteria provided, single submitter. Criteria: ICSL Variant Classification Criteria 13 December 2019. Collection method: clinical testing. Allele origin: germline.
Comment: This variant was observed in the ICSL laboratory as part of a predisposition screen in an ostensibly healthy population. It had not been previously curated by ICSL or reported in the Human Gene Mutation Database (HGMD: prior to June 1st, 2018), and was therefore a candidate for classification through an automated scoring system. Utilizing variant allele frequency, disease prevalence and penetrance estimates, and inheritance mode, an automated score was calculated to assess if this variant is too frequent to cause the disease. Based on the score and internal cut-off values, a variant classified as likely benign is not then subjected to further curation. The score for this variant resulted in a classification of likely benign for this disease.